The following is an entry in ClinVar:

NM_001039.4(SCNN1G):c.1452C>A (p.Leu484=)

Gene: SCNN1G (sodium channel epithelial 1 subunit gamma; plus strand). Cytogenetic location: 16p12.2.
Variant type: single nucleotide variant.
Coding change: c.1452C>A on transcript NM_001039.4 (MANE Select); coding-DNA position 1452, C replaced by A.
Protein change: p.Leu484=; no amino-acid change (leucine 484 retained).
Molecular consequence: synonymous variant.
Genome position (GRCh38, 1-based): chr16:23,213,122, C>A. VCF-style: chr16-23213122-C-A. GRCh37 (hg19) VCF-style: chr16-23224443-C-A.
Identifiers: ClinVar variation 318357 (VCV000318357.13), dbSNP rs72647527, ClinGen allele CA7959879.
Genomic context (GRCh38, chr16:23,213,122, plus strand): 5'-TCAGGCACCCTCAGGCCCACGCTTTCTCTCTCCGTTGTAGAAGTGGTTGCTGCCTGTTCT[C>A]ACTTGGGACCAAGGCCGGCAAGTAAACAAAAAGCTCAACAAGTAAGTTACCTCTACCCTG-3'
Protein context (NP_001030.2, residues 474-494): VVSEKWLLPV[Leu484=]TWDQGRQVNK

ClinVar aggregate classification (germline): Conflicting classifications of pathogenicity. Review status: criteria provided, conflicting classifications (1 of 4 stars). 4 submissions from 3 submitters: Uncertain significance (1); Benign (2); Likely benign (1). Last evaluated 2026-01-05.

Conditions:
Liddle syndrome 2. Identifiers: MedGen C4748251, MONDO:0020854, OMIM 618114.
Pseudohypoaldosteronism, type IB1, autosomal recessive. Also called: Pseudohypoaldosteronism, Type I, Autosomal Recessive; PHA I, AUTOSOMAL RECESSIVE; Pseudohypoaldosteronism, Type I, Recessive; Autosomal recessive pseudohypoaldosteronism type 1. Identifiers: Orphanet 171876, Orphanet 756, MedGen C5774176, MONDO:0009917, OMIM 264350.

Allele frequency attached by ClinVar (database versions not stated): ExAC 0.00027; 1000 Genomes Project 0.00040; 1000 Genomes Project 30x 0.00062; gnomAD 0.00075 and 0.00080; TOPMed 0.00081; ESP Exome Variant Server 0.00115.
gnomAD v4.1: 201 of 1,613,876 alleles (0.012%); highest among the groups gnomAD compares: African/African-American, 0.24%; no homozygotes.

Submissions (4):

Labcorp Genetics (formerly Invitae), Labcorp
Classification: Benign. Last evaluated: 2026-01-05. Review status: criteria provided, single submitter. Criteria: Invitae Variant Classification Sherloc (09022015). Collection method: clinical testing. Allele origin: germline.

Women's Health and Genetics/Laboratory Corporation of America, LabCorp
Classification: Likely benign. Last evaluated: 2025-04-02. Review status: criteria provided, single submitter. Criteria: LabCorp Variant Classification Summary - May 2015. Collection method: clinical testing. Allele origin: germline.

Illumina Laboratory Services, Illumina
Classification: Uncertain significance for Pseudohypoaldosteronism, type IB1, autosomal recessive. Last evaluated: 2018-01-13. Review status: criteria provided, single submitter. Criteria: ICSL Variant Classification Criteria 13 December 2019. Collection method: clinical testing. Allele origin: germline.

Illumina Laboratory Services, Illumina
Classification: Benign for Liddle syndrome 2. Last evaluated: 2018-01-13. Review status: criteria provided, single submitter. Criteria: ICSL Variant Classification Criteria 13 December 2019. Collection method: clinical testing. Allele origin: germline.
Comment: This variant was observed in the ICSL laboratory as part of a predisposition screen in an ostensibly healthy population. It had not been previously curated by ICSL or reported in the Human Gene Mutation Database (HGMD: prior to June 1st, 2018), and was therefore a candidate for classification through an automated scoring system. Utilizing variant allele frequency, disease prevalence and penetrance estimates, and inheritance mode, an automated score was calculated to assess if this variant is too frequent to cause the disease. Based on the score and internal cut-off values, a variant classified as benign is not then subjected to further curation. The score for this variant resulted in a classification of benign for this disease.